The following is an entry in ClinVar:

NM_001953.5(TYMP):c.1301-2_1305del

Genes: SCO2 (synthesis of cytochrome C oxidase 2; minus strand), TYMP (thymidine phosphorylase; minus strand), LOC130067862 (ATAC-STARR-seq lymphoblastoid silent region 13986; plus strand). Cytogenetic location: 22q13.33.
Variant type: Deletion.
Coding change: c.1301-2_1305del on transcript NM_001953.5 (MANE Select); the canonical splice acceptor site of the intron before coding-DNA position 1301 through coding-DNA position 1305, 7 bases deleted (AGGGACC; older notation c.1301-2_1305delAGGGACC).
Molecular consequence: splice acceptor variant. On other transcripts: intron variant (2).
Genome position (GRCh38, 1-based): chr22:50,525,914-50,525,920, GGTCCCT deleted on the plus strand (AGGGACC on the coding strand, the reverse complement: TYMP is on the minus strand); deleting any 7 consecutive bases within chr22:50,525,914-50,525,921 gives the same sequence; the c. name uses the placement nearest the transcript's 3' end. VCF-style (leftmost placement, unchanged base first): chr22-50525913-GGGTCCCT-G. GRCh37 (hg19) VCF-style: chr22-50964342-GGGTCCCT-G.
Other names: c.-14+326_-14+332del (NM_001169109.2); c.-14+81_-14+87del (NM_001169110.1); c.1316-2_1320del (NM_001257989.1); c.1301-2_1305del (NM_001257988.1, NM_001113755.3, NM_001113756.3).
Identifiers: ClinVar variation 1163689 (VCV001163689.7), dbSNP rs2148676442, ClinGen allele CA2499226226.

ClinVar aggregate classification (germline): Likely pathogenic (1 of 4 stars; one submission).

Submission:

Mayo Clinic Laboratories, Mayo Clinic
Classification: Likely pathogenic. Last evaluated: 2020-04-16. Review status: criteria provided, single submitter. Criteria: ACMG Guidelines, 2015. Collection method: clinical testing. Allele origin: germline. Observed: 1 variant allele.
Comment: PVS1, PM2